The following is an entry in ClinVar:

ClinVar aggregate classification (germline): Uncertain significance. Review status: criteria provided, multiple submitters, no conflicts (2 of 4 stars). 4 submissions from 4 submitters: Uncertain significance (3). 1 of the submissions does not count toward it. Last evaluated 2024-06-30.

Conditions:
Bardet-Biedl syndrome (BBS). Identifiers: Orphanet 110, MedGen C0752166, MONDO:0015229.
Bardet-Biedl syndrome 12 (BBS12). Identifiers: Orphanet 110, MedGen C1859570, MONDO:0014440, OMIM 615989.
BBS12-related disorder. Also called: BBS12-related condition.

Allele frequency attached by ClinVar (database versions not stated): gnomAD exomes 0.00001.
gnomAD v4.1: 13 of 1,614,246 alleles (0.00081%); highest among the groups gnomAD compares: Non-Finnish European, 0.001%; no homozygotes.

Submissions (4):

GeneDx
Classification: Uncertain significance. Last evaluated: 2024-06-30. Review status: criteria provided, single submitter. Criteria: GeneDx Variant Classification Process June 2021. Collection method: clinical testing. Allele origin: germline. Affected: yes.
Comment: Not observed at significant frequency in large population cohorts (gnomAD); In silico analysis indicates that this missense variant does not alter protein structure/function; Has not been previously published as pathogenic or benign to our knowledge

Baylor Genetics
Classification: Uncertain significance for Bardet-Biedl syndrome 12. Last evaluated: 2023-12-11. Review status: criteria provided, single submitter. Criteria: ACMG Guidelines, 2015. Collection method: clinical testing. Allele origin: unknown.

Labcorp Genetics (formerly Invitae), Labcorp
Classification: Uncertain significance for Bardet-Biedl syndrome. Last evaluated: 2021-08-31. Review status: criteria provided, single submitter. Criteria: Invitae Variant Classification Sherloc (09022015). Collection method: clinical testing. Allele origin: germline.
Comment: This sequence change replaces tyrosine with cysteine at codon 334 of the BBS12 protein (p.Tyr334Cys). The tyrosine residue is highly conserved and there is a large physicochemical difference between tyrosine and cysteine. This variant is not present in population databases (ExAC no frequency). This variant has not been reported in the literature in individuals affected with BBS12-related conditions. Algorithms developed to predict the effect of missense changes on protein structure and function (SIFT, PolyPhen-2, Align-GVGD) all suggest that this variant is likely to be disruptive. In summary, the available evidence is currently insufficient to determine the role of this variant in disease. Therefore, it has been classified as a Variant of Uncertain Significance.

PreventionGenetics, part of Exact Sciences
Classification: Uncertain significance for BBS12-related condition. Last evaluated: 2024-02-26. Review status: no assertion criteria provided. Collection method: clinical testing. Allele origin: germline. Not counted in ClinVar's aggregate classification.
Comment: The BBS12 c.1001A>G variant is predicted to result in the amino acid substitution p.Tyr334Cys. To our knowledge, this variant has not been reported in the literature or in a large population database, indicating this variant is rare. This variant was found in the compound heterozygous state along with a second causative BBS12 variant in two siblings, however, phenotype and affected status was inconsistent (Internal Data, PreventionGenetics). Although we suspect that this variant may be pathogenic, at this time, the clinical significance of this variant is uncertain due to the absence of conclusive functional and genetic evidence.

NM_152618.3(BBS12):c.1001A>G (p.Tyr334Cys)

Gene: BBS12 (Bardet-Biedl syndrome 12; plus strand). Cytogenetic location: 4q27.
Variant type: single nucleotide variant.
Coding change: c.1001A>G on transcript NM_152618.3 (MANE Select); coding-DNA position 1001, A replaced by G.
Protein change: p.Tyr334Cys; replaces tyrosine 334 with cysteine.
Molecular consequence: missense variant.
Genome position (GRCh38, 1-based): chr4:122,742,893, A>G. VCF-style: chr4-122742893-A-G. GRCh37 (hg19) VCF-style: chr4-123664048-A-G.
Other names: c.1001A>G, p.Tyr334Cys (NM_001178007.2); short protein forms Y334C.
Identifiers: ClinVar variation 1030268 (VCV001030268.6), dbSNP rs1800906037, ClinGen allele CA358224179.